The following is an entry in ClinVar:

NM_001323289.2(CDKL5):c.215T>A (p.Ile72Asn)

Gene: CDKL5 (cyclin dependent kinase like 5; plus strand). Cytogenetic location: Xp22.13.
Variant type: single nucleotide variant.
Coding change: c.215T>A on transcript NM_001323289.2 (MANE Select); coding-DNA position 215, T replaced by A.
Protein change: p.Ile72Asn; replaces isoleucine 72 with asparagine.
Molecular consequence: missense variant.
Genome position (GRCh38, 1-based): chrX:18,575,423, T>A. VCF-style: chrX-18575423-T-A. GRCh37 (hg19) VCF-style: chrX-18593543-T-A.
Other names: NM_001323289.2(CDKL5):c.215T>A; c.215T>A, p.Ile72Asn (NM_001037343.2, NM_003159.3); short protein forms I72N.
Identifiers: ClinVar variation 143797 (VCV000143797.4), dbSNP rs62641235, ClinGen allele CA170469.

ClinVar aggregate classification (germline): Likely pathogenic. Review status: criteria provided, single submitter (1 of 4 stars). 2 submissions from 2 submitters: Likely pathogenic (1). 1 of the submissions does not count toward it. Last evaluated 2024-07-16.

Conditions:
CDKL5 disorder. Identifiers: MedGen CN296942, MONDO:0100039.
Atypical Rett syndrome. Also called: Variant Rett Syndrome; Rett like syndrome. Identifiers: Orphanet 3095, MedGen C2748910, MONDO:0017746.

Submissions (2):

Centre for Population Genomics, CPG
Classification: Likely pathogenic for CDKL5 disorder. Last evaluated: 2024-07-16. Review status: criteria provided, single submitter. Criteria: McKnight et al. (Hum Mutat. 2022). Collection method: curation. Allele origin: germline. Inheritance: X-linked inheritance.
Comment: This variant has been collected from RettBASE and curated to current modified ACMG/AMP criteria. Based on the classification scheme defined by the ClinGen Rett/Angelman-like Expert Panel for Rett/AS-like Disorders Specifications to the ACMG/AMP Variant Interpretation Guidelines VCEP 3.0, this variant is classified as likely pathogenic. At least the following criteria are met: This variant has been identified as a de novo occurrence in an individual with CDKL5 disorder without confirmation of paternity and maternity (PM6, PMID: 16015284). Another missense variant in the same codon has been classified as pathogenic (PM5, ClinVar Variation ID: 143797). This variant is absent from gnomAD (PM2_Supporting). Computational prediction analysis tools suggests a deleterious impact (REVEL score>= 0.75) (PP3).

RettBASE
Classification: Pathogenic for Atypical Rett syndrome. Last evaluated: 2014-03-13. Review status: no assertion criteria provided. Collection method: curation. Allele origin: de novo. Affected: yes. Observed: 1 variant allele. Not counted in ClinVar's aggregate classification.
Comment: Conserved residue in catalytic domain, de novo mutation; In silico prediction: SIFT = deleterious, MutationTaster = disease-causing, PolyPhen2 = probably damaging, AlignGVGD = benign (C0)

Literature cited by the submitters: PubMed 16015284 (cited by RettBASE).